The following is an entry in ClinVar:

NM_020884.7(MYH7B):c.1587+4G>A

Gene: MYH7B (myosin heavy chain 7B; plus strand). Cytogenetic location: 20q11.22.
Variant type: single nucleotide variant.
Coding change: c.1587+4G>A on transcript NM_020884.7 (MANE Select); 4 bases into the intron after coding-DNA position 1587, G replaced by A.
Molecular consequence: intron variant.
Genome position (GRCh38, 1-based): chr20:34,988,266, G>A. VCF-style: chr20-34988266-G-A. GRCh37 (hg19) VCF-style: chr20-33576069-G-A.
Identifiers: ClinVar variation 2782038 (VCV002782038.3), dbSNP rs771814945, ClinGen allele CA9826987.
Genomic context (GRCh38, chr20:34,988,266, plus strand): 5'-TGGGTCTTCATCGACTTCGGCCTTGACCTGCAGCCTTGCATCGACCTCATCGAGAAGGTG[G>A]GTGCCGCGGCAAGGTCACTTTGAGGAAGGGAGGGTGTGTGTGGTGAGCAAGCAGGGATGG-3'

ClinVar aggregate classification (germline): Uncertain significance (1 of 4 stars; one submission).

Allele frequency attached by ClinVar (database versions not stated): gnomAD exomes below 0.00001; ExAC 0.00001; TOPMed 0.00001.
gnomAD v4.1: 4 of 1,609,214 alleles (0.00025%); highest among the groups gnomAD compares: Admixed American, 0.0067%; no homozygotes.

Submission:

Labcorp Genetics (formerly Invitae), Labcorp
Classification: Uncertain significance. Last evaluated: 2024-03-04. Review status: criteria provided, single submitter. Criteria: Invitae Variant Classification Sherloc (09022015). Collection method: clinical testing. Allele origin: germline.
Comment: This sequence change falls in intron 19 of the MYH7B gene. It does not directly change the encoded amino acid sequence of the MYH7B protein. It affects a nucleotide within the consensus splice site. This variant is present in population databases (rs771814945, gnomAD 0.006%). This variant has not been reported in the literature in individuals affected with MYH7B-related conditions. Variants that disrupt the consensus splice site are a relatively common cause of aberrant splicing (PMID: 17576681, 9536098). Algorithms developed to predict the effect of sequence changes on RNA splicing suggest that this variant is not likely to affect RNA splicing. In summary, the available evidence is currently insufficient to determine the role of this variant in disease. Therefore, it has been classified as a Variant of Uncertain Significance.

Literature cited by the submitters: PubMed 17576681; PubMed 9536098.